The following is an entry in ClinVar:

NM_002637.4(PHKA1):c.938A>C (p.Tyr313Ser)

Gene: PHKA1 (phosphorylase kinase regulatory subunit alpha 1; minus strand). Cytogenetic location: Xq13.1.
Variant type: single nucleotide variant.
Coding change: c.938A>C on transcript NM_002637.4 (MANE Select); coding-DNA position 938, A replaced by C.
Protein change: p.Tyr313Ser; replaces tyrosine 313 with serine.
Molecular consequence: missense variant.
Genome position (GRCh38, 1-based): chrX:72,656,223, T>G on the plus strand (A>C on the coding strand, the complement: PHKA1 is on the minus strand). VCF-style: chrX-72656223-T-G. GRCh37 (hg19) VCF-style: chrX-71876073-T-G.
Other names: c.938A>C, p.Tyr313Ser (NM_001122670.2, NM_001172436.2); c.938A>C (NM_002637.3); short protein forms Y313S.
Identifiers: ClinVar variation 1297498 (VCV001297498.6), dbSNP rs1306876951, ClinGen allele CA413593730.

ClinVar aggregate classification (germline): Uncertain significance. Review status: criteria provided, multiple submitters, no conflicts (2 of 4 stars). 4 submissions from 4 submitters: Uncertain significance (2). 2 of the submissions do not count toward it. Last evaluated 2024-09-28.

Conditions:
Glycogen storage disease IXd (GSD9D). Also called: Muscle Phosphorylase Kinase Deficiency; GSD IXd. Identifiers: Orphanet 715, MedGen C1845151, MONDO:0010362, OMIM 300559.
PHKA1-related disorder. Also called: PHKA1-related condition.

Allele frequency attached by ClinVar (database versions not stated): TOPMed below 0.00001.
gnomAD v4.1: 3 of 1,210,567 alleles (0.00025%); highest among the groups gnomAD compares: Non-Finnish European, 0.00034%; no homozygotes.

Submissions (4):

Labcorp Genetics (formerly Invitae), Labcorp
Classification: Uncertain significance for Glycogen storage disease IXd. Last evaluated: 2024-09-28. Review status: criteria provided, single submitter. Criteria: Invitae Variant Classification Sherloc (09022015). Collection method: clinical testing. Allele origin: germline.
Comment: This sequence change replaces tyrosine, which is neutral and polar, with serine, which is neutral and polar, at codon 313 of the PHKA1 protein (p.Tyr313Ser). This variant is not present in population databases (gnomAD no frequency). This missense change has been observed in individual(s) with muscle weakness and atrophy (PMID: 31127727). ClinVar contains an entry for this variant (Variation ID: 1297498). Invitae Evidence Modeling of protein sequence and biophysical properties (such as structural, functional, and spatial information, amino acid conservation, physicochemical variation, residue mobility, and thermodynamic stability) indicates that this missense variant is expected to disrupt PHKA1 protein function with a positive predictive value of 80%. In summary, the available evidence is currently insufficient to determine the role of this variant in disease. Therefore, it has been classified as a Variant of Uncertain Significance.

PreventionGenetics, part of Exact Sciences
Classification: Uncertain significance for PHKA1-related condition. Last evaluated: 2023-02-08. Review status: criteria provided, single submitter. Criteria: ACMG Guidelines, 2015. Collection method: clinical testing. Allele origin: germline.
Comment: The PHKA1 c.938A>C variant is predicted to result in the amino acid substitution p.Tyr313Ser. This variant has not been reported in a large population database, indicating this variant is rare. At this time, the clinical significance of this variant is uncertain due to the absence of conclusive functional and genetic evidence.

Clinical Genetics DNA and cytogenetics Diagnostics Lab, Erasmus MC, Erasmus Medical Center
Classification: Uncertain significance. Review status: no assertion criteria provided. Collection method: clinical testing. Allele origin: germline. Affected: yes. Study: VKGL Data-share Consensus. Not counted in ClinVar's aggregate classification.

Joint Genome Diagnostic Labs from Nijmegen and Maastricht, Radboudumc and MUMC+
Classification: Uncertain significance. Review status: no assertion criteria provided. Collection method: clinical testing. Allele origin: germline. Affected: yes. Study: VKGL Data-share Consensus. Not counted in ClinVar's aggregate classification.

Literature cited by the submitters: PubMed 31127727 (cited by Labcorp Genetics (formerly Invitae), Labcorp).